The following is an entry in ClinVar:

NC_000018.9:g.(9124982_9126828)_(9126906_9134183)del

Gene: NDUFV2 (NADH:ubiquinone oxidoreductase core subunit V2; plus strand). Cytogenetic location: 18p11.22.
Variant type: Deletion.
Identifiers: ClinVar variation 1704593 (VCV001704593.1).

ClinVar aggregate classification (germline): Likely pathogenic (1 of 4 stars; one submission).

Conditions:
Mitochondrial complex I deficiency, nuclear type 7. Also called: Mitochondrial complex 1 deficiency, nuclear type 7. Identifiers: MedGen C4748760, MONDO:0032612, OMIM 618229.

Submission:

Women's Health and Genetics/Laboratory Corporation of America, LabCorp
Classification: Likely pathogenic for Mitochondrial complex I deficiency, nuclear type 7. Last evaluated: 2022-07-18. Review status: criteria provided, single submitter. Criteria: LabCorp Variant Classification Summary - May 2015. Collection method: clinical testing. Allele origin: germline.
Comment: Variant summary: The variant identified by MLPA or other technology involves the deletion of the penultimate exon 7 in the NDUFV2 gene. A presumed nomenclature of c.(579+1_580-1)_(656+1_657-1)del has been designated for the purposes of this classification. Although exact breakpoints of this deletion are not known, it is expected to result in a frameshift in the NDUFV2 gene, a known mechanism of disease. At least one truncation within the last exon (exon 8; c.669_670insG, p.Ser224ValfsX3) has been reported in the literature in individuals affected with Mitochondrial Complex 1 Deficiency (PMID: 26008862). The variant was absent in 21694 control chromosomes (gnomAD, Structural Variants dataset). To our knowledge, no occurrence of c.(579+1_580-1)_(656+1_657-1)del in individuals affected with Mitochondrial Complex 1 Deficiency, Nuclear Type 7 and no experimental evidence demonstrating its impact on protein function have been reported. No clinical diagnostic laboratories have submitted clinical-significance assessments for this variant to ClinVar after 2014. Based on the evidence outlined above, the variant was classified as likely pathogenic.